The following is an entry in ClinVar:

NM_006204.4(PDE6C):c.1346A>G (p.Lys449Arg)

Gene: PDE6C (phosphodiesterase 6C; plus strand). Cytogenetic location: 10q23.33.
Variant type: single nucleotide variant.
Coding change: c.1346A>G on transcript NM_006204.4 (MANE Select); coding-DNA position 1346, A replaced by G.
Protein change: p.Lys449Arg; replaces lysine 449 with arginine.
Molecular consequence: missense variant.
Genome position (GRCh38, 1-based): chr10:93,635,573, A>G. VCF-style: chr10-93635573-A-G. GRCh37 (hg19) VCF-style: chr10-95395330-A-G.
Other names: short protein forms K449R.
Identifiers: ClinVar variation 643449 (VCV000643449.1), dbSNP rs752525221, ClinGen allele CA5610153.

ClinVar aggregate classification (germline): Uncertain significance (1 of 4 stars; one submission).

gnomAD v4.1: 2 of 1,613,818 alleles (0.00012%); highest among the groups gnomAD compares: Non-Finnish European, 0.00017%; no homozygotes.

Submission:

Labcorp Genetics (formerly Invitae), Labcorp
Classification: Uncertain significance. Last evaluated: 2018-12-13. Review status: criteria provided, single submitter. Criteria: Invitae Variant Classification Sherloc (09022015). Collection method: clinical testing. Allele origin: germline.
Comment: This sequence change replaces lysine with arginine at codon 449 of the PDE6C protein (p.Lys449Arg). The lysine residue is highly conserved and there is a small physicochemical difference between lysine and arginine. This variant is present in population databases (rs752525221, ExAC 0.001%). This variant has not been reported in the literature in individuals with PDE6C-related conditions. Algorithms developed to predict the effect of missense changes on protein structure and function output the following: SIFT: "Deleterious"; PolyPhen-2: "Benign"; Align-GVGD: "Class C0". The arginine amino acid residue is found in multiple mammalian species, suggesting that this missense change does not adversely affect protein function. These predictions have not been confirmed by published functional studies and their clinical significance is uncertain. In summary, the available evidence is currently insufficient to determine the role of this variant in disease. Therefore, it has been classified as a Variant of Uncertain Significance.